The following is an entry in ClinVar:

NM_000260.4(MYO7A):c.3109-12G>A

Gene: MYO7A (myosin VIIA; plus strand). Cytogenetic location: 11q13.5.
Variant type: single nucleotide variant.
Coding change: c.3109-12G>A on transcript NM_000260.4 (MANE Select); 12 bases into the intron before coding-DNA position 3109, G replaced by A.
Molecular consequence: intron variant.
Genome position (GRCh38, 1-based): chr11:77,182,412, G>A. VCF-style: chr11-77182412-G-A. GRCh37 (hg19) VCF-style: chr11-76893457-G-A.
Other names: c.3076-12G>A (NM_001369365.1); c.3109-12G>A (NM_001127180.2, NM_000260.3).
Identifiers: ClinVar variation 2974147 (VCV002974147.4), dbSNP rs782566244, ClinGen allele CA224841915.

ClinVar aggregate classification (germline): Likely benign. Review status: criteria provided, single submitter (1 of 4 stars). 2 submissions from 2 submitters: Likely benign (1). 1 of the submissions does not count toward it. Last evaluated 2025-07-27.

Conditions:
MYO7A-related disorder. Also called: MYO7A-related disorders.

gnomAD v4.1: 12 of 1,608,310 alleles (0.00075%); highest among the groups gnomAD compares: African/African-American, 0.0027%; no homozygotes.

Submissions (2):

Labcorp Genetics (formerly Invitae), Labcorp
Classification: Likely benign. Last evaluated: 2025-07-27. Review status: criteria provided, single submitter. Criteria: Invitae Variant Classification Sherloc (09022015). Collection method: clinical testing. Allele origin: germline.

PreventionGenetics, part of Exact Sciences
Classification: Likely benign for MYO7A-related condition. Last evaluated: 2024-09-15. Review status: no assertion criteria provided. Collection method: clinical testing. Allele origin: germline. Not counted in ClinVar's aggregate classification.
Comment: This variant is classified as likely benign based on ACMG/AMP sequence variant interpretation guidelines (Richards et al. 2015 PMID: 25741868, with internal and published modifications).